The following is an entry in ClinVar:

NM_005263.5(GFI1):c.973T>G (p.Ser325Ala)

Gene: GFI1 (growth factor independent 1 transcriptional repressor; minus strand). Cytogenetic location: 1p22.1.
Variant type: single nucleotide variant.
Coding change: c.973T>G on transcript NM_005263.5 (MANE Select); coding-DNA position 973, T replaced by G.
Protein change: p.Ser325Ala; replaces serine 325 with alanine.
Molecular consequence: missense variant.
Genome position (GRCh38, 1-based): chr1:92,478,705, A>C on the plus strand (T>G on the coding strand, the complement: GFI1 is on the minus strand). VCF-style: chr1-92478705-A-C. GRCh37 (hg19) VCF-style: chr1-92944262-A-C.
Other names: c.973T>G, p.Ser325Ala (NM_001127216.3, NM_001127215.3); short protein forms S325A.
Identifiers: ClinVar variation 5022391 (VCV005022391.1).

ClinVar aggregate classification (germline): Uncertain significance (1 of 4 stars; one submission).

Submission:

Ambry Genetics
Classification: Uncertain significance. Last evaluated: 2026-08-08. Review status: criteria provided, single submitter. Criteria: Ambry Variant Classification Scheme 2023. Collection method: clinical testing. Allele origin: germline.
Comment: The p.S325A variant (also known as c.973T>G), located in coding exon 5 of the GFI1 gene, results from a T to G substitution at nucleotide position 973. The serine at codon 325 is replaced by alanine, an amino acid with similar properties. This amino acid position is conserved. In addition, this alteration is predicted to be tolerated by in silico analysis. Based on the available evidence, the clinical significance of this variant remains unclear.